The following is an entry in ClinVar:

NM_015338.6(ASXL1):c.1268A>G (p.Asn423Ser)

Gene: ASXL1 (ASXL transcriptional regulator 1; plus strand). Cytogenetic location: 20q11.21.
Variant type: single nucleotide variant.
Coding change: c.1268A>G on transcript NM_015338.6 (MANE Select); coding-DNA position 1268, A replaced by G.
Protein change: p.Asn423Ser; replaces asparagine 423 with serine.
Molecular consequence: missense variant.
Genome position (GRCh38, 1-based): chr20:32,433,466, A>G. VCF-style: chr20-32433466-A-G. GRCh37 (hg19) VCF-style: chr20-31021269-A-G.
Other names: c.1085A>G, p.Asn362Ser (NM_001363734.1); short protein forms N423S, N362S.
Identifiers: ClinVar variation 2299956 (VCV002299956.5), dbSNP rs886056598, ClinGen allele CA10652440.

ClinVar aggregate classification (germline): Uncertain significance. Review status: criteria provided, multiple submitters, no conflicts (2 of 4 stars). 2 submissions from 2 submitters: Uncertain significance (2). Last evaluated 2025-02-18.

Conditions:
Inborn genetic diseases. Identifiers: MedGen C0950123, MeSH D030342.

Allele frequency attached by ClinVar (database versions not stated): TOPMed below 0.00001.

Submissions (2):

Ambry Genetics
Classification: Uncertain significance for Inborn genetic diseases. Last evaluated: 2025-02-18. Review status: criteria provided, single submitter. Criteria: Ambry Variant Classification Scheme 2023. Collection method: clinical testing. Allele origin: germline.
Comment: The p.N423S variant (also known as c.1268A>G), located in coding exon 12 of the ASXL1 gene, results from an A to G substitution at nucleotide position 1268. The asparagine at codon 423 is replaced by serine, an amino acid with highly similar properties. This amino acid position is conserved. In addition, this alteration is predicted to be tolerated by in silico analysis. Based on the available evidence, the clinical significance of this variant remains unclear.

Labcorp Genetics (formerly Invitae), Labcorp
Classification: Uncertain significance. Last evaluated: 2024-12-08. Review status: criteria provided, single submitter. Criteria: Invitae Variant Classification Sherloc (09022015). Collection method: clinical testing. Allele origin: germline.
Comment: This sequence change replaces asparagine, which is neutral and polar, with serine, which is neutral and polar, at codon 423 of the ASXL1 protein (p.Asn423Ser). This variant is not present in population databases (gnomAD no frequency). This variant has not been reported in the literature in individuals affected with ASXL1-related conditions. ClinVar contains an entry for this variant (Variation ID: 2299956). An algorithm developed to predict the effect of missense changes on protein structure and function outputs the following: PolyPhen-2: "Benign". The serine amino acid residue is found in multiple mammalian species, which suggests that this missense change does not adversely affect protein function. In summary, the available evidence is currently insufficient to determine the role of this variant in disease. Therefore, it has been classified as a Variant of Uncertain Significance.